The following is an entry in ClinVar:

ClinVar aggregate classification (germline): Uncertain significance. Review status: criteria provided, multiple submitters, no conflicts (2 of 4 stars). 2 submissions from 2 submitters: Uncertain significance (2). Last evaluated 2025-05-03.

Conditions:
Hereditary cancer-predisposing syndrome. Also called: Tumor predisposition; Hereditary neoplastic syndrome; Neoplastic Syndromes, Hereditary; Hereditary Cancer Syndrome. Identifiers: Orphanet 140162, MedGen C0027672, MeSH D009386, MONDO:0015356.
Renal cell carcinoma. Identifiers: Orphanet 217071, MedGen C0007134, MeSH D002292, MONDO:0005086, HP:0005584.

Submissions (2):

Ambry Genetics
Classification: Uncertain significance for Hereditary cancer-predisposing syndrome. Last evaluated: 2025-05-03. Review status: criteria provided, single submitter. Criteria: Ambry Variant Classification Scheme 2023. Collection method: clinical testing. Allele origin: germline.
Comment: The p.D1028A variant (also known as c.3083A>C) is located in coding exon 14 of the MET gene. The aspartic acid at codon 1028 is replaced by alanine, an amino acid with dissimilar properties. This change occurs in the first base pair of coding exon 14. This amino acid position is conserved. In addition, the in silico prediction for this alteration is inconclusive. Based on the available evidence, the clinical significance of this variant remains unclear.

Labcorp Genetics (formerly Invitae), Labcorp
Classification: Uncertain significance for Renal cell carcinoma. Last evaluated: 2021-05-07. Review status: criteria provided, single submitter. Criteria: Invitae Variant Classification Sherloc (09022015). Collection method: clinical testing. Allele origin: germline.
Comment: This sequence change replaces aspartic acid with alanine at codon 1028 of the MET protein (p.Asp1028Ala). The aspartic acid residue is highly conserved and there is a moderate physicochemical difference between aspartic acid and alanine. This variant is not present in population databases (ExAC no frequency). This variant has not been reported in the literature in individuals with MET-related conditions. Algorithms developed to predict the effect of missense changes on protein structure and function are either unavailable or do not agree on the potential impact of this missense change (SIFT: "Deleterious"; PolyPhen-2: "Probably Damaging"; Align-GVGD: "Class C0"). In summary, the available evidence is currently insufficient to determine the role of this variant in disease. Therefore, it has been classified as a Variant of Uncertain Significance.

NM_000245.4(MET):c.3029A>C (p.Asp1010Ala)

Gene: MET (MET proto-oncogene, receptor tyrosine kinase; plus strand). Cytogenetic location: 7q31.2.
Variant type: single nucleotide variant.
Coding change: c.3029A>C on transcript NM_000245.4 (MANE Select); coding-DNA position 3029, A replaced by C.
Protein change: p.Asp1010Ala; replaces aspartic acid 1010 with alanine.
Molecular consequence: missense variant.
Genome position (GRCh38, 1-based): chr7:116,774,881, A>C. VCF-style: chr7-116774881-A-C. GRCh37 (hg19) VCF-style: chr7-116414935-A-C.
Other names: c.3083A>C, p.Asp1028Ala (NM_001127500.3); c.1739A>C, p.Asp580Ala (NM_001324402.2); c.3083A>C (NM_001127500.1); short protein forms D1010A, D1028A, D580A.
Identifiers: ClinVar variation 1489522 (VCV001489522.9), dbSNP rs2117029391, ClinGen allele CA368987739.